The following is an entry in ClinVar:

NM_000257.4(MYH7):c.4060A>G (p.Lys1354Glu)

Gene: MYH7 (myosin heavy chain 7; minus strand). Cytogenetic location: 14q11.2.
Variant type: single nucleotide variant.
Coding change: c.4060A>G on transcript NM_000257.4 (MANE Select); coding-DNA position 4060, A replaced by G.
Protein change: p.Lys1354Glu; replaces lysine 1354 with glutamic acid.
Molecular consequence: missense variant.
Genome position (GRCh38, 1-based): chr14:23,418,319, T>C on the plus strand (A>G on the coding strand, the complement: MYH7 is on the minus strand). VCF-style: chr14-23418319-T-C. GRCh37 (hg19) VCF-style: chr14-23887528-T-C.
Other names: c.4060A>G, p.Lys1354Glu (NM_001407004.1); short protein forms K1354E.
Identifiers: ClinVar variation 2803784 (VCV002803784.6), dbSNP rs1481659240, ClinGen allele CA389041064.
Genomic context (GRCh38, chr14:23,418,319, plus strand): 5'-TGGTCCTCCACTGGGCCACCTCCGAGTTGGCCTTGGAAAGGACGCGCTGCAGCTCGGCCT[T>C]GGCCTCCGTCTCCTCCTCGTACTGCTCCCGCAGCAGGTCGCAGTCATGCCGGGCCGACTG-3'
Protein context (NP_000248.2, residues 1344-1364): REQYEEETEA[Lys1354Glu]AELQRVLSKA

ClinVar aggregate classification (germline): Uncertain significance. Review status: criteria provided, multiple submitters, no conflicts (2 of 4 stars). 3 submissions from 3 submitters: Uncertain significance (3). Last evaluated 2026-09-30.

Conditions:
Cardiomyopathy (CMYO). Also called: Cardiomyopathies. Identifiers: Orphanet 167848, MedGen C0878544, MONDO:0004994, HP:0001638. Inheritance: Various modes of inheritance.
Hypertrophic cardiomyopathy. Also called: HYPERTROPHIC MYOCARDIOPATHY. Identifiers: Orphanet 217569, MedGen C0007194, MeSH D002312, MONDO:0005045, HP:0001639.

Allele frequency attached by ClinVar (database versions not stated): gnomAD 0.00001; gnomAD exomes below 0.00001; TOPMed 0.00001.

Submissions (3):

GeneDx
Classification: Uncertain significance. Last evaluated: 2026-09-30. Review status: criteria provided, single submitter. Criteria: GeneDx Variant Classification Process June 2021. Collection method: clinical testing. Allele origin: germline.
Comment: Not observed at significant frequency in large population cohorts (gnomAD); In silico analysis supports that this missense variant has a deleterious effect on protein structure/function; Has not been previously published as pathogenic or benign to our knowledge

Color Diagnostics, LLC DBA Color Health
Classification: Uncertain significance for Cardiomyopathy. Last evaluated: 2024-01-28. Review status: criteria provided, single submitter. Criteria: ACMG Guidelines, 2015. Collection method: clinical testing. Allele origin: germline.
Comment: This missense variant replaces lysine with glutamic acid at codon 1354 of the MYH7 protein. Computational prediction suggests that this variant may have deleterious impact on protein structure and function (internally defined REVEL score threshold >= 0.7, PMID: 27666373). To our knowledge, functional studies have not been reported for this variant. This variant has not been reported in individuals affected with MYH7-related disorders in the literature. This variant has been identified in 1/251410 chromosomes in the general population by the Genome Aggregation Database (gnomAD). The available evidence is insufficient to determine the role of this variant in disease conclusively. Therefore, this variant is classified as a Variant of Uncertain Significance.

Labcorp Genetics (formerly Invitae), Labcorp
Classification: Uncertain significance for Hypertrophic cardiomyopathy. Last evaluated: 2023-08-01. Review status: criteria provided, single submitter. Criteria: Invitae Variant Classification Sherloc (09022015). Collection method: clinical testing. Allele origin: germline.
Comment: This sequence change replaces lysine, which is basic and polar, with glutamic acid, which is acidic and polar, at codon 1354 of the MYH7 protein (p.Lys1354Glu). In summary, the available evidence is currently insufficient to determine the role of this variant in disease. Therefore, it has been classified as a Variant of Uncertain Significance. Advanced modeling of protein sequence and biophysical properties (such as structural, functional, and spatial information, amino acid conservation, physicochemical variation, residue mobility, and thermodynamic stability) performed at Invitae indicates that this missense variant is expected to disrupt MYH7 protein function. This variant has not been reported in the literature in individuals affected with MYH7-related conditions. This variant is present in population databases (no rsID available, gnomAD 0.0009%).